The following is an entry in ClinVar:

NM_006393.3(NEBL):c.479A>G (p.Asn160Ser)

Gene: NEBL (nebulette; minus strand). Cytogenetic location: 10p12.31.
Variant type: single nucleotide variant.
Coding change: c.479A>G on transcript NM_006393.3 (MANE Select); coding-DNA position 479, A replaced by G.
Protein change: p.Asn160Ser; replaces asparagine 160 with serine.
Molecular consequence: missense variant. On other transcripts: intron variant (9).
Genome position (GRCh38, 1-based): chr10:20,880,795, T>C on the plus strand (A>G on the coding strand, the complement: NEBL is on the minus strand). VCF-style: chr10-20880795-T-C. GRCh37 (hg19) VCF-style: chr10-21169724-T-C.
Other names: c.250-67855A>G (NM_001377326.1, NM_001377327.1, NM_001377328.1); c.358-67855A>G (NM_213569.2, NM_001173484.2, NM_001377322.1); c.301-67855A>G (NM_001377324.1); c.292-67855A>G (NM_001377325.1); c.310-67855A>G (NM_001377323.1); short protein forms N160S.
Identifiers: ClinVar variation 2158086 (VCV002158086.5), dbSNP rs773420259, ClinGen allele CA5433238.

ClinVar aggregate classification (germline): Uncertain significance. Review status: criteria provided, multiple submitters, no conflicts (2 of 4 stars). 2 submissions from 2 submitters: Uncertain significance (2). Last evaluated 2025-02-15.

Conditions:
Primary dilated cardiomyopathy (DCM). Also called: Dilated Cardiomyopathy. Identifiers: Orphanet 217604, MedGen C0007193, MeSH D002311, MONDO:0005021, HP:0001644. Inheritance: Various modes of inheritance.

Allele frequency attached by ClinVar (database versions not stated): gnomAD exomes below 0.00001; ExAC 0.00002.
gnomAD v4.1: 7 of 1,605,144 alleles (0.00044%); highest among the groups gnomAD compares: Non-Finnish European, 0.00051%; no homozygotes.

Submissions (2):

Ambry Genetics
Classification: Uncertain significance. Last evaluated: 2025-02-15. Review status: criteria provided, single submitter. Criteria: Ambry Variant Classification Scheme 2023. Collection method: clinical testing. Allele origin: germline.
Comment: The p.N160S variant (also known as c.479A>G), located in coding exon 5 of the NEBL gene, results from an A to G substitution at nucleotide position 479. The asparagine at codon 160 is replaced by serine, an amino acid with highly similar properties. This amino acid position is conserved. In addition, this alteration is predicted to be tolerated by in silico analysis. Based on the available evidence, the clinical significance of this variant remains unclear.

Labcorp Genetics (formerly Invitae), Labcorp
Classification: Uncertain significance for Primary dilated cardiomyopathy. Last evaluated: 2025-01-28. Review status: criteria provided, single submitter. Criteria: Invitae Variant Classification Sherloc (09022015). Collection method: clinical testing. Allele origin: germline.
Comment: This sequence change replaces asparagine, which is neutral and polar, with serine, which is neutral and polar, at codon 160 of the NEBL protein (p.Asn160Ser). This variant is present in population databases (rs773420259, gnomAD 0.003%). This variant has not been reported in the literature in individuals affected with NEBL-related conditions. ClinVar contains an entry for this variant (Variation ID: 2158086). An algorithm developed to predict the effect of missense changes on protein structure and function (PolyPhen-2) suggests that this variant is likely to be tolerated. In summary, the available evidence is currently insufficient to determine the role of this variant in disease. Therefore, it has been classified as a Variant of Uncertain Significance.